The following is an entry in ClinVar:

NM_005159.5(ACTC1):c.1079G>A (p.Ser360Asn)

Genes: ACTC1 (actin alpha cardiac muscle 1; minus strand), GJD2-DT (GJD2 divergent transcript; plus strand). Cytogenetic location: 15q14.
Variant type: single nucleotide variant.
Coding change: c.1079G>A on transcript NM_005159.5 (MANE Select); coding-DNA position 1079, G replaced by A.
Protein change: p.Ser360Asn; replaces serine 360 with asparagine.
Molecular consequence: missense variant.
Genome position (GRCh38, 1-based): chr15:34,790,467, C>T on the plus strand (G>A on the coding strand, the complement: ACTC1 is on the minus strand). VCF-style: chr15-34790467-C-T. GRCh37 (hg19) VCF-style: chr15-35082668-C-T.
Other names: c.1079G>A, p.Ser360Asn (NM_001406482.1, NM_001406483.1); c.944G>A, p.Ser315Asn (NM_001406484.1); c.638G>A, p.Ser213Asn (NM_001406485.1); short protein forms S315N, S360N, S213N.
Identifiers: ClinVar variation 2954320 (VCV002954320.3), dbSNP rs1595759950, ClinGen allele CA391628818.
Genomic context (GRCh38, chr15:34,790,467, plus strand): 5'-GCATCTTAGAAGCATTTGCGGTGGACAATGGATGGGCCTGCCTCATCGTACTCTTGCTTG[C>T]TAATCCACATTTGCTGGAAGGTGGACAGAGAGGCCAGGATGGAGCCCCCAATCCAGACAG-3'
Protein context (NP_005150.1, residues 350-370): SLSTFQQMWI[Ser360Asn]KQEYDEAGPS

ClinVar aggregate classification (germline): Uncertain significance (1 of 4 stars; one submission).

Conditions:
Hypertrophic cardiomyopathy 11. Also called: ACTC1-Related Familial Hypertrophic Cardiomyopathy. Identifiers: MedGen C2677506, MONDO:0012799, OMIM 612098.
Dilated cardiomyopathy 1R (CMD1R). Identifiers: Orphanet 154, Orphanet 54260, MedGen C3150681, MONDO:0013261, OMIM 613424.
Atrial septal defect 5 (ASD5). Identifiers: Orphanet 1478, MedGen C2748552, MONDO:0013011, OMIM 612794.

Submission:

Labcorp Genetics (formerly Invitae), Labcorp
Classification: Uncertain significance for Dilated cardiomyopathy 1R; Hypertrophic cardiomyopathy 11; Atrial septal defect 5. Last evaluated: 2023-11-30. Review status: criteria provided, single submitter. Criteria: Invitae Variant Classification Sherloc (09022015). Collection method: clinical testing. Allele origin: germline.
Comment: This sequence change replaces serine, which is neutral and polar, with asparagine, which is neutral and polar, at codon 360 of the ACTC1 protein (p.Ser360Asn). This variant is not present in population databases (gnomAD no frequency). This variant has not been reported in the literature in individuals affected with ACTC1-related conditions. Advanced modeling of protein sequence and biophysical properties (such as structural, functional, and spatial information, amino acid conservation, physicochemical variation, residue mobility, and thermodynamic stability) performed at Invitae indicates that this missense variant is not expected to disrupt ACTC1 protein function with a negative predictive value of 80%. In summary, the available evidence is currently insufficient to determine the role of this variant in disease. Therefore, it has been classified as a Variant of Uncertain Significance.